The following is an entry in ClinVar:

ClinVar aggregate classification (germline): Uncertain significance (1 of 4 stars; one submission).

Conditions:
Baraitser-Winter syndrome 1 (BRWS1). Also called: PACHYGYRIA, MENTAL RETARDATION, EPILEPSY, AND CHARACTERISTIC FACIES; MENTAL RETARDATION WITH EPILEPSY AND CHARACTERISTIC FACIES; Cerebrofrontofacial syndrome; BARAITSER-WINTER SYNDROME 1, ATYPICAL. Identifiers: Orphanet 2649, Orphanet 2995, MedGen C1855722, MONDO:0009470, OMIM 243310.

Allele frequency attached by ClinVar (database versions not stated): TOPMed below 0.00001.

Submission:

HudsonAlpha Institute for Biotechnology
Classification: Uncertain significance for Baraitser-Winter syndrome 1. Last evaluated: 2021-10-10. Review status: criteria provided, single submitter. Criteria: ACMG Guidelines, 2015. Collection method: research. Allele origin: paternal. Observed: 1 variant allele. Study: HudsonAlpha-AGHI-WGS.
Comment: ACMG codes: PM2, PP2, PP3

NM_001101.5(ACTB):c.812C>T (p.Ser271Phe)

Gene: ACTB (actin beta; minus strand). Cytogenetic location: 7p22.1.
Variant type: single nucleotide variant.
Coding change: c.812C>T on transcript NM_001101.5 (MANE Select); coding-DNA position 812, C replaced by T.
Protein change: p.Ser271Phe; replaces serine 271 with phenylalanine.
Molecular consequence: missense variant.
Genome position (GRCh38, 1-based): chr7:5,528,176, G>A on the plus strand (C>T on the coding strand, the complement: ACTB is on the minus strand). VCF-style: chr7-5528176-G-A. GRCh37 (hg19) VCF-style: chr7-5567807-G-A.
Other names: short protein forms S271F.
Identifiers: ClinVar variation 1684528 (VCV001684528.1), dbSNP rs1784805528, ClinGen allele CA366700805.
Genomic context (GRCh38, chr7:5,528,176, plus strand): 5'-TTGCGGATGTCCACGTCACACTTCATGATGGAGTTGAAGGTAGTTTCGTGGATGCCACAG[G>A]ACTCCATGCCTGAGAGGGAAATGAGGGCAGGACTTAGCTTCCACAGCACAGCCCCGAGGG-3'
Protein context (NP_001092.1, residues 261-281): LFQPSFLGME[Ser271Phe]CGIHETTFNS